The following is an entry in ClinVar:

ClinVar aggregate classification (germline): Likely benign. Review status: criteria provided, multiple submitters, no conflicts (2 of 4 stars). 4 submissions from 4 submitters: Likely benign (3). 1 of the submissions does not count toward it. Last evaluated 2025-04-17.

Conditions:
Usher syndrome type 1 (USH1). Also called: RETINITIS PIGMENTOSA AND CONGENITAL DEAFNESS. Identifiers: Orphanet 231169, Orphanet 886, MedGen C1568247, MONDO:0010168, OMIM 276900.
CDH23-related disorder. Also called: CDH23-related disorders; CDH23-related condition.

Allele frequency attached by ClinVar (database versions not stated): gnomAD below 0.00001 and 0.00003; TOPMed 0.00001; ExAC 0.00004; gnomAD exomes 0.00005; 1000 Genomes Project 0.00020; 1000 Genomes Project 30x 0.00031.
gnomAD v4.1: 34 of 1,580,106 alleles (0.0022%); highest among the groups gnomAD compares: South Asian, 0.028%; no homozygotes.

Submissions (4):

Labcorp Genetics (formerly Invitae), Labcorp
Classification: Likely benign. Last evaluated: 2025-04-17. Review status: criteria provided, single submitter. Criteria: Invitae Variant Classification Sherloc (09022015). Collection method: clinical testing. Allele origin: germline.

PreventionGenetics, part of Exact Sciences
Classification: Likely benign for CDH23-related condition. Last evaluated: 2025-03-18. Review status: criteria provided, single submitter. Criteria: ACMG Guidelines, 2015. Collection method: clinical testing. Allele origin: germline.
Comment: This variant is classified as likely benign based on ACMG/AMP sequence variant interpretation guidelines (Richards et al. 2015 PMID: 25741868, with internal and published modifications).

Blueprint Genetics
Classification: Likely benign. Last evaluated: 2020-01-29. Review status: criteria provided, single submitter. Criteria: ACMG Guidelines, 2015. Collection method: clinical testing. Allele origin: germline.

Natera, Inc.
Classification: Uncertain significance for Usher syndrome type 1. Last evaluated: 2020-03-10. Review status: no assertion criteria provided. Collection method: clinical testing. Allele origin: germline. Not counted in ClinVar's aggregate classification.

NM_022124.6(CDH23):c.10041C>A (p.Thr3347=)

Gene: CDH23 (cadherin related 23; plus strand). Cytogenetic location: 10q22.1.
Variant type: single nucleotide variant.
Coding change: c.10041C>A on transcript NM_022124.6 (MANE Select); coding-DNA position 10041, C replaced by A.
Protein change: p.Thr3347=; no amino-acid change (threonine 3347 retained).
Molecular consequence: synonymous variant.
Genome position (GRCh38, 1-based): chr10:71,815,254, C>A. VCF-style: chr10-71815254-C-A. GRCh37 (hg19) VCF-style: chr10-73575011-C-A.
Other names: c.3321C>A, p.Thr1107= (NM_001171933.1); c.3216C>A, p.Thr1072= (NM_001171934.1); c.732C>A, p.Thr244= (NM_001171935.1); c.627C>A, p.Thr209= (NM_001171936.1).
Identifiers: ClinVar variation 754312 (VCV000754312.14), dbSNP rs538081113, ClinGen allele CA5547253.